The following is an entry in ClinVar:

NM_004247.4(EFTUD2):c.2627C>T (p.Pro876Leu)

Gene: EFTUD2 (elongation factor Tu GTP binding domain containing 2; minus strand). Cytogenetic location: 17q21.31.
Variant type: single nucleotide variant.
Coding change: c.2627C>T on transcript NM_004247.4 (MANE Select); coding-DNA position 2627, C replaced by T.
Protein change: p.Pro876Leu; replaces proline 876 with leucine.
Molecular consequence: missense variant.
Genome position (GRCh38, 1-based): chr17:44,852,497, G>A on the plus strand (C>T on the coding strand, the complement: EFTUD2 is on the minus strand). VCF-style: chr17-44852497-G-A. GRCh37 (hg19) VCF-style: chr17-42929865-G-A.
Other names: c.2522C>T, p.Pro841Leu (NM_001142605.2); c.2627C>T, p.Pro876Leu (NM_001258353.2); c.2597C>T, p.Pro866Leu (NM_001258354.2); short protein forms P841L, P866L, P876L.
Identifiers: ClinVar variation 1212841 (VCV001212841.9), dbSNP rs2145431518, ClinGen allele CA399838832.

ClinVar aggregate classification (germline): Conflicting classifications of pathogenicity. Review status: criteria provided, conflicting classifications (1 of 4 stars). 2 submissions from 2 submitters: Likely pathogenic (1); Uncertain significance (1). Last evaluated 2023-10-19.

Submissions (2):

GeneDx
Classification: Likely pathogenic. Last evaluated: 2023-10-19. Review status: criteria provided, single submitter. Criteria: GeneDx Variant Classification Process June 2021. Collection method: clinical testing. Allele origin: germline. Affected: yes.
Comment: Not observed in large population cohorts (gnomAD); In silico analysis, which includes protein predictors and evolutionary conservation, supports a deleterious effect; Has not been previously published as pathogenic or benign to our knowledge

Labcorp Genetics (formerly Invitae), Labcorp
Classification: Uncertain significance. Last evaluated: 2022-10-05. Review status: criteria provided, single submitter. Criteria: Invitae Variant Classification Sherloc (09022015). Collection method: clinical testing. Allele origin: germline.
Comment: This sequence change replaces proline, which is neutral and non-polar, with leucine, which is neutral and non-polar, at codon 876 of the EFTUD2 protein (p.Pro876Leu). ClinVar contains an entry for this variant (Variation ID: 1212841). This variant has not been reported in the literature in individuals affected with EFTUD2-related conditions. This variant is not present in population databases (gnomAD no frequency). Advanced modeling of protein sequence and biophysical properties (such as structural, functional, and spatial information, amino acid conservation, physicochemical variation, residue mobility, and thermodynamic stability) performed at Invitae indicates that this missense variant is expected to disrupt EFTUD2 protein function. In summary, the available evidence is currently insufficient to determine the role of this variant in disease. Therefore, it has been classified as a Variant of Uncertain Significance.